The following is an entry in ClinVar:

ClinVar aggregate classification (germline): Uncertain significance. Review status: criteria provided, multiple submitters, no conflicts (2 of 4 stars). 2 submissions from 2 submitters: Uncertain significance (2). Last evaluated 2022-02-25.

Conditions:
Polycystic kidney disease, adult type (PKD1). Also called: Polycystic Kidney Disease 1, Autosomal Dominant; Polycystic kidney disease 1; Polycystic kidney disease 1, severe; POLYCYSTIC KIDNEY DISEASE 1 WITH OR WITHOUT POLYCYSTIC LIVER DISEASE; POLYCYSTIC KIDNEY DISEASE, ADULT, TYPE I; Polycystic Kidney, Autosomal Dominant. Identifiers: MedGen C3149841, MONDO:0008263, OMIM 173900.

Allele frequency attached by ClinVar (database versions not stated): gnomAD exomes 0.00001.

Submissions (2):

Fulgent Genetics
Classification: Uncertain significance for Polycystic kidney disease, adult type. Last evaluated: 2022-02-25. Review status: criteria provided, single submitter. Criteria: ACMG Guidelines, 2015. Collection method: clinical testing. Allele origin: unknown.

GeneDx
Classification: Uncertain significance. Last evaluated: 2019-12-18. Review status: criteria provided, single submitter. Criteria: GeneDx Variant Classification Process June 2021. Collection method: clinical testing. Allele origin: germline. Affected: yes.
Comment: Not observed at a significant frequency in large population cohorts (Lek et al., 2016); In silico analysis, which includes protein predictors and evolutionary conservation, supports a deleterious effect; Has not been previously published as pathogenic or benign to our knowledge

NM_001009944.3(PKD1):c.2360A>T (p.Asn787Ile)

Gene: PKD1 (polycystin 1, transient receptor potential channel interacting; minus strand). Cytogenetic location: 16p13.3.
Variant type: single nucleotide variant.
Coding change: c.2360A>T on transcript NM_001009944.3 (MANE Select); coding-DNA position 2360, A replaced by T.
Protein change: p.Asn787Ile; replaces asparagine 787 with isoleucine.
Molecular consequence: missense variant.
Genome position (GRCh38, 1-based): chr16:2,114,663, T>A on the plus strand (A>T on the coding strand, the complement: PKD1 is on the minus strand). VCF-style: chr16-2114663-T-A. GRCh37 (hg19) VCF-style: chr16-2164664-T-A.
Other names: c.2360A>T, p.Asn787Ile (NM_000296.4); short protein forms N787I.
Identifiers: ClinVar variation 1310830 (VCV001310830.3), dbSNP rs928084406, ClinGen allele CA394388075.